The following is an entry in ClinVar:

ClinVar aggregate classification (germline): Uncertain significance. Review status: criteria provided, multiple submitters, no conflicts (2 of 4 stars). 2 submissions from 2 submitters: Uncertain significance (2). Last evaluated 2024-10-29.

Conditions:
Charcot-Marie-Tooth disease type 2. Also called: Charcot-Marie-Tooth type 2. Identifiers: Orphanet 64746, MedGen C0270914, MONDO:0018993.

Allele frequency attached by ClinVar (database versions not stated): TOPMed 0.00001.
gnomAD v4.1: 13 of 1,614,134 alleles (0.00081%); highest among the groups gnomAD compares: South Asian, 0.0033%; no homozygotes.

Submissions (2):

Blueprint Genetics
Classification: Uncertain significance. Last evaluated: 2024-10-29. Review status: criteria provided, single submitter. Criteria: ACMG Guidelines, 2015. Collection method: clinical testing. Allele origin: germline.

Labcorp Genetics (formerly Invitae), Labcorp
Classification: Uncertain significance for Charcot-Marie-Tooth disease type 2. Last evaluated: 2024-09-25. Review status: criteria provided, single submitter. Criteria: Invitae Variant Classification Sherloc (09022015). Collection method: clinical testing. Allele origin: germline.
Comment: This sequence change replaces arginine, which is basic and polar, with histidine, which is basic and polar, at codon 107 of the BSCL2 protein (p.Arg107His). This variant is present in population databases (rs377609967, gnomAD 0.0009%). This variant has not been reported in the literature in individuals affected with BSCL2-related conditions. ClinVar contains an entry for this variant (Variation ID: 1014740). Invitae Evidence Modeling of protein sequence and biophysical properties (such as structural, functional, and spatial information, amino acid conservation, physicochemical variation, residue mobility, and thermodynamic stability) indicates that this missense variant is expected to disrupt BSCL2 protein function with a positive predictive value of 80%. In summary, the available evidence is currently insufficient to determine the role of this variant in disease. Therefore, it has been classified as a Variant of Uncertain Significance.

NM_001122955.4(BSCL2):c.512G>A (p.Arg171His)

Genes: BSCL2 (BSCL2 lipid droplet biogenesis associated, seipin; minus strand), HNRNPUL2-BSCL2 (HNRNPUL2-BSCL2 readthrough (NMD candidate); minus strand). Cytogenetic location: 11q12.3.
Variant type: single nucleotide variant.
Coding change: c.512G>A on transcript NM_001122955.4 (MANE Select); coding-DNA position 512, G replaced by A.
Protein change: p.Arg171His; replaces arginine 171 with histidine.
Molecular consequence: missense variant. On other transcripts: non-coding transcript variant (1).
Genome position (GRCh38, 1-based): chr11:62,694,686, C>T on the plus strand (G>A on the coding strand, the complement: BSCL2 is on the minus strand). VCF-style: chr11-62694686-C-T. GRCh37 (hg19) VCF-style: chr11-62462158-C-T.
Other names: c.512G>A, p.Arg171His (NM_001386027.1, NM_001386028.1); c.320G>A, p.Arg107His (NM_032667.6, NM_001130702.2); short protein forms R107H, R171H.
Identifiers: ClinVar variation 1014740 (VCV001014740.9), dbSNP rs377609967, ClinGen allele CA6053538.